The following is an entry in ClinVar:

ClinVar aggregate classification (germline): Benign (1 of 4 stars; one submission).

Allele frequency attached by ClinVar (database versions not stated): gnomAD exomes 0.63136; ExAC 0.65647; gnomAD 0.67850; ESP Exome Variant Server 0.67891; TOPMed 0.68638; 1000 Genomes Project 30x 0.72580; 1000 Genomes Project 0.72764.
gnomAD v4.1: 866,215 of 1,358,722 alleles (64%); highest among the groups gnomAD compares: African/African-American, 81%; 279,574 homozygotes.

Submission:

Unidad de Genómica Garrahan, Hospital de Pediatría Garrahan
Classification: Benign. Last evaluated: 2024-01-24. Review status: criteria provided, single submitter. Criteria: ACMG Guidelines, 2015. Collection method: clinical testing. Allele origin: germline. Affected: no. Observed: 81 variant alleles.
Comment: This variant is classified as Benign based on local population frequency. This variant was detected in 85% of patients studied by a panel of primary immunodeficiencies. Number of patients: 81. Only high quality variants are reported.

NM_000625.4(NOS2):c.1477-52T>C

Gene: NOS2 (nitric oxide synthase 2; minus strand). Cytogenetic location: 17q11.2.
Variant type: single nucleotide variant.
Coding change: c.1477-52T>C on transcript NM_000625.4 (MANE Select); 52 bases into the intron before coding-DNA position 1477, T replaced by C.
Molecular consequence: intron variant.
Genome position (GRCh38, 1-based): chr17:27,773,295, A>G on the plus strand (T>C on the coding strand, the complement: NOS2 is on the minus strand). VCF-style: chr17-27773295-A-G. GRCh37 (hg19) VCF-style: chr17-26100321-A-G.
Identifiers: ClinVar variation 2687962 (VCV002687962.2), dbSNP rs2248814, ClinGen allele CA8454728.